The following is an entry in ClinVar:

NM_001145358.2(SIN3A):c.836C>T (p.Pro279Leu)

Gene: SIN3A (SIN3 transcription regulator family member A; minus strand). Cytogenetic location: 15q24.2.
Variant type: single nucleotide variant.
Coding change: c.836C>T on transcript NM_001145358.2 (MANE Select); coding-DNA position 836, C replaced by T.
Protein change: p.Pro279Leu; replaces proline 279 with leucine.
Molecular consequence: missense variant.
Genome position (GRCh38, 1-based): chr15:75,411,664, G>A on the plus strand (C>T on the coding strand, the complement: SIN3A is on the minus strand). VCF-style: chr15-75411664-G-A. GRCh37 (hg19) VCF-style: chr15-75704005-G-A.
Other names: c.836C>T, p.Pro279Leu (NM_001145357.2, NM_015477.3); short protein forms P279L.
Identifiers: ClinVar variation 717739 (VCV000717739.35), dbSNP rs61761938, ClinGen allele CA7667802.

ClinVar aggregate classification (germline): Benign. Review status: criteria provided, multiple submitters, no conflicts (2 of 4 stars). 2 submissions from 2 submitters: Benign (2). Last evaluated 2026-08-01.

Allele frequency attached by ClinVar (database versions not stated): 1000 Genomes Project 30x 0.00047; 1000 Genomes Project 0.00060; gnomAD 0.00167 and 0.00178; TOPMed 0.00188; gnomAD exomes 0.00197 and 0.00270; ESP Exome Variant Server 0.00208; ExAC 0.00216.
gnomAD v4.1: 4,148 of 1,614,102 alleles (0.26%); highest among the groups gnomAD compares: Non-Finnish European, 0.3%; 13 homozygotes.

Submissions (2):

CeGaT Center for Human Genetics Tuebingen
Classification: Benign. Last evaluated: 2026-08-01. Review status: criteria provided, single submitter. Criteria: CeGaT Center For Human Genetics Tuebingen Variant Classification Criteria Version 2. Collection method: clinical testing. Allele origin: germline. Affected: yes. Observed: 21 variant alleles.
Comment: SIN3A: BS1, BS2

Labcorp Genetics (formerly Invitae), Labcorp
Classification: Benign. Last evaluated: 2026-02-03. Review status: criteria provided, single submitter. Criteria: Invitae Variant Classification Sherloc (09022015). Collection method: clinical testing. Allele origin: germline.